The following is an entry in ClinVar:

NM_032043.3(BRIP1):c.1129del (p.Gln376_Ile377insTer)

Gene: BRIP1 (BRCA1 interacting DNA helicase 1; minus strand). Cytogenetic location: 17q23.2.
Variant type: Deletion.
Coding change: c.1129del on transcript NM_032043.3 (MANE Select); coding-DNA position 1129, one base deleted (A; older notation c.1129delA).
Protein change: p.Gln376_Ile377insTer.
Molecular consequence: nonsense.
Genome position (GRCh38, 1-based): chr17:61,801,264, T deleted on the plus strand (A on the coding strand, the reverse complement: BRIP1 is on the minus strand); the first of 3 consecutive T bases (chr17:61,801,264-61,801,266); deleting any one gives the same sequence. VCF-style (leftmost placement, unchanged base first): chr17-61801263-AT-A. GRCh37 (hg19) VCF-style: chr17-59878624-AT-A.
Identifiers: ClinVar variation 822231 (VCV000822231.5), dbSNP rs1603343101, ClinGen allele CA915950715.
Genomic context (GRCh38, chr17:61,801,263, plus strand): 5'-TACATCTCCATGAGTAGGAAGAAGGTTCTCATTTTTACACATATACTCACACTTTCCCTT[AT>A]TTGTGCATCTAGAAGATAGTTGTAGGGACAAAATATGATGTCAGCATCTTGTATTAGTTC-3'

ClinVar aggregate classification (germline): Pathogenic. Review status: criteria provided, multiple submitters, no conflicts (2 of 4 stars). 2 submissions from 2 submitters: Pathogenic (2). Last evaluated 2025-03-27.

Conditions:
Hereditary cancer-predisposing syndrome. Also called: Hereditary Cancer Syndrome; Neoplastic Syndromes, Hereditary; Hereditary neoplastic syndrome; Tumor predisposition. Identifiers: Orphanet 140162, MedGen C0027672, MeSH D009386, MONDO:0015356.
Familial cancer of breast. Also called: Hereditary breast cancer; hereditary breast carcinoma; BREAST CANCER, FAMILIAL. Identifiers: Orphanet 227535, MedGen C0346153, MONDO:0016419, OMIM 114480. Disease mechanism: loss of function.
Fanconi anemia complementation group J. Also called: BRIP1-Related Fanconi Anemia. Identifiers: Orphanet 84, MedGen C1836860, MONDO:0012187, OMIM 609054.

Submissions (2):

Labcorp Genetics (formerly Invitae), Labcorp
Classification: Pathogenic for Familial cancer of breast; Fanconi anemia complementation group J. Last evaluated: 2025-03-27. Review status: criteria provided, single submitter. Criteria: Invitae Variant Classification Sherloc (09022015). Collection method: clinical testing. Allele origin: germline.
Comment: This sequence change creates a premature translational stop signal (p.Ile377*) in the BRIP1 gene. It is expected to result in an absent or disrupted protein product. Loss-of-function variants in BRIP1 are known to be pathogenic (PMID: 16116423, 17033622, 21964575). This variant is not present in population databases (gnomAD no frequency). This variant has not been reported in the literature in individuals affected with BRIP1-related conditions. ClinVar contains an entry for this variant (Variation ID: 822231). For these reasons, this variant has been classified as Pathogenic.

Ambry Genetics
Classification: Pathogenic for Hereditary cancer-predisposing syndrome. Last evaluated: 2024-01-04. Review status: criteria provided, single submitter. Criteria: Ambry Variant Classification Scheme 2023. Collection method: clinical testing. Allele origin: germline.
Comment: The c.1129delA pathogenic mutation, located in coding exon 7 of the BRIP1 gene, results from a deletion of one nucleotide at nucleotide position 1129, causing a translational frameshift with a predicted alternate stop codon (p.I377*). This variant is considered to be rare based on population cohorts in the Genome Aggregation Database (gnomAD). This alteration is expected to result in loss of function by premature protein truncation or nonsense-mediated mRNA decay. As such, this alteration is interpreted as a disease-causing mutation.

Literature cited by the submitters: PubMed 16116423 (cited by Labcorp Genetics (formerly Invitae), Labcorp); PubMed 17033622 (cited by Labcorp Genetics (formerly Invitae), Labcorp); PubMed 21964575 (cited by Labcorp Genetics (formerly Invitae), Labcorp).